The following is an entry in ClinVar:

ClinVar aggregate classification (germline): Likely pathogenic (1 of 4 stars; one submission).

Conditions:
Fanconi anemia (FA). Also called: Fanconi's anemia. Identifiers: Orphanet 84, MedGen C0015625, MeSH D005199, MONDO:0019391.

gnomAD v4.1: 1 of 1,600,132 alleles (0.000062%); highest among the groups gnomAD compares: South Asian, 0.0011%; no homozygotes.

Submission:

Labcorp Genetics (formerly Invitae), Labcorp
Classification: Likely pathogenic for Fanconi anemia. Last evaluated: 2025-05-13. Review status: criteria provided, single submitter. Criteria: Invitae Variant Classification Sherloc (09022015). Collection method: clinical testing. Allele origin: germline.
Comment: This sequence change affects an acceptor splice site in intron 3 of the FANCM gene. It is expected to disrupt RNA splicing. Variants that disrupt the donor or acceptor splice site typically lead to a loss of protein function (PMID: 16199547), and loss-of-function variants in FANCM are known to be pathogenic (PMID: 29895858, 30075111). This variant is not present in population databases (gnomAD no frequency). This variant has not been reported in the literature in individuals affected with FANCM-related conditions. Algorithms developed to predict the effect of sequence changes on RNA splicing suggest that this variant may disrupt the consensus splice site. In summary, the currently available evidence indicates that the variant is pathogenic, but additional data are needed to prove that conclusively. Therefore, this variant has been classified as Likely Pathogenic.

Literature cited by the submitters: PubMed 16199547; PubMed 29895858; PubMed 30075111.

NM_020937.4(FANCM):c.760-1G>A

Gene: FANCM (FA complementation group M; plus strand). Cytogenetic location: 14q21.2.
Variant type: single nucleotide variant.
Coding change: c.760-1G>A on transcript NM_020937.4 (MANE Select); the canonical splice acceptor site of the intron before coding-DNA position 760, G replaced by A.
Molecular consequence: splice acceptor variant.
Genome position (GRCh38, 1-based): chr14:45,148,836, G>A. VCF-style: chr14-45148836-G-A. GRCh37 (hg19) VCF-style: chr14-45618039-G-A.
Other names: c.682-1G>A (NM_001308133.2); c.760-1G>A (NM_001308134.2).
Identifiers: ClinVar variation 4805534 (VCV004805534.1).